The following is an entry in ClinVar:

ClinVar aggregate classification (germline): Uncertain significance (1 of 4 stars; one submission).

Conditions:
TRAPPC9-related disorder. Also called: TRAPPC9-related condition.

gnomAD v4.1: 1 of 1,582,088 alleles (0.000063%); no homozygotes.

Submission:

PreventionGenetics, part of Exact Sciences
Classification: Uncertain significance for TRAPPC9-related condition. Last evaluated: 2025-09-04. Review status: criteria provided, single submitter. Criteria: ACMG Guidelines, 2015. Collection method: clinical testing. Allele origin: germline.
Comment: The TRAPPC9 c.29C>A variant is predicted to result in the amino acid substitution p.Ala10Glu. To our knowledge, this variant has not been reported in the literature. This variant is reported in 0.0070% of alleles in individuals of European (Finnish) descent in gnomAD. At this time, the clinical significance of this variant is uncertain due to the absence of conclusive functional and genetic evidence.

NM_031466.8(TRAPPC9):c.-266C>A

Gene: TRAPPC9 (trafficking protein particle complex subunit 9; minus strand). Cytogenetic location: 8q24.3.
Variant type: single nucleotide variant.
Coding change: c.-266C>A on transcript NM_031466.8; 266 bases upstream of the start codon, C replaced by A.
Molecular consequence: 5 prime UTR variant.
Genome position (GRCh38, 1-based): chr8:140,458,536, G>T on the plus strand (C>A on the coding strand, the complement: TRAPPC9 is on the minus strand). VCF-style: chr8-140458536-G-T. GRCh37 (hg19) VCF-style: chr8-141468635-G-T.
Identifiers: ClinVar variation 4998007 (VCV004998007.1).